The following is an entry in ClinVar:

ClinVar aggregate classification (germline): Uncertain significance (1 of 4 stars; one submission).

Conditions:
Inborn genetic diseases. Identifiers: MedGen C0950123, MeSH D030342.

Submission:

Ambry Genetics
Classification: Uncertain significance for Inborn genetic diseases. Last evaluated: 2022-04-12. Review status: criteria provided, single submitter. Criteria: Ambry Variant Classification Scheme 2023. Collection method: clinical testing. Allele origin: germline.
Comment: The p.A897G variant (also known as c.2690C>G), located in coding exon 26 of the KIF1A gene, results from a C to G substitution at nucleotide position 2690. The alanine at codon 897 is replaced by glycine, an amino acid with similar properties. This amino acid position is poorly conserved in available vertebrate species. In addition, this alteration is predicted to be tolerated by in silico analysis. Since supporting evidence is limited at this time, the clinical significance of this alteration remains unclear.

NM_001244008.2(KIF1A):c.2690C>G (p.Ala897Gly)

Gene: KIF1A (kinesin family member 1A; minus strand). Cytogenetic location: 2q37.3.
Variant type: single nucleotide variant.
Coding change: c.2690C>G on transcript NM_001244008.2 (MANE Select); coding-DNA position 2690, C replaced by G.
Protein change: p.Ala897Gly; replaces alanine 897 with glycine.
Molecular consequence: missense variant. On other transcripts: intron variant (18).
Genome position (GRCh38, 1-based): chr2:240,757,487, G>C on the plus strand (C>G on the coding strand, the complement: KIF1A is on the minus strand). VCF-style: chr2-240757487-G-C. GRCh37 (hg19) VCF-style: chr2-241696904-G-C.
Other names: c.2765C>G, p.Ala922Gly (NM_001379631.1); c.2639C>G, p.Ala880Gly (NM_001379632.1); c.2663C>G, p.Ala888Gly (NM_001379633.1, NM_001379642.1, NM_001379645.1); c.2555+873C>G (NM_001379653.1, NM_001379650.1, NM_001379640.1 and 6 more transcripts); c.2657+873C>G (NM_001379635.1, NM_001330290.2, NM_001379646.1 and 1 more transcripts); c.2630+873C>G (NM_001379637.1, NM_001379648.1); c.2582+873C>G (NM_001320705.2, NM_001379638.1, NM_001330289.2); short protein forms A880G, A897G, A888G, A922G.
Identifiers: ClinVar variation 1794797 (VCV001794797.2), dbSNP rs2537510735, ClinGen allele CA351322072.